The following is an entry in ClinVar:

NM_002700.3(POU4F3):c.378G>A (p.Thr126=)

Genes: POU4F3 (POU class 4 homeobox 3; plus strand), RBM27-POU4F3 (RBM27-POU4F3 readthrough; plus strand). Cytogenetic location: 5q32.
Variant type: single nucleotide variant.
Coding change: c.378G>A on transcript NM_002700.3 (MANE Select); coding-DNA position 378, G replaced by A.
Protein change: p.Thr126=; no amino-acid change (threonine 126 retained).
Molecular consequence: synonymous variant.
Genome position (GRCh38, 1-based): chr5:146,339,805, G>A. VCF-style: chr5-146339805-G-A. GRCh37 (hg19) VCF-style: chr5-145719368-G-A.
Identifiers: ClinVar variation 178630 (VCV000178630.49), dbSNP rs113137300, ClinGen allele CA182699.
Genomic context (GRCh38, chr5:146,339,805, plus strand): 5'-CCCTCACCACGCCGTGCACCAGGGCCTCGAAGGCGACCTGCTGGAGCACATCTCGCCCAC[G>A]CTGAGTGTGAGCGGCCTGGGCGCTCCGGAACACTCGGTGATGCCCGCACAGATCCATCCA-3'
Protein context (NP_002691.1, residues 116-136): EGDLLEHISP[Thr126=]LSVSGLGAPE

ClinVar aggregate classification (germline): Benign/Likely benign. Review status: criteria provided, multiple submitters, no conflicts (2 of 4 stars). 7 submissions from 7 submitters: Benign (5); Likely benign (2). Last evaluated 2025-12-20.

Conditions:
Autosomal dominant nonsyndromic hearing loss 15 (DFNA15). Also called: Autosomal dominant nonsyndromic hearing loss 52; DEAFNESS, AUTOSOMAL DOMINANT 52. Identifiers: Orphanet 90635, MedGen C1865366, MONDO:0011226, OMIM 602459.

Allele frequency attached by ClinVar (database versions not stated): gnomAD exomes 0.00059; ExAC 0.00080; gnomAD 0.00202 and 0.00205; TOPMed 0.00215; ESP Exome Variant Server 0.00261; 1000 Genomes Project 0.00280; 1000 Genomes Project 30x 0.00281.
gnomAD v4.1: 746 of 1,610,954 alleles (0.046%); highest among the groups gnomAD compares: African/African-American, 0.77%; 4 homozygotes.

Submissions (7):

Labcorp Genetics (formerly Invitae), Labcorp
Classification: Benign. Last evaluated: 2025-12-20. Review status: criteria provided, single submitter. Criteria: Invitae Variant Classification Sherloc (09022015). Collection method: clinical testing. Allele origin: germline.

Blueprint Genetics
Classification: Likely benign. Last evaluated: 2024-11-06. Review status: criteria provided, single submitter. Criteria: ACMG Guidelines, 2015. Collection method: clinical testing. Allele origin: germline.

CeGaT Center for Human Genetics Tuebingen
Classification: Likely benign. Last evaluated: 2023-07-01. Review status: criteria provided, single submitter. Criteria: CeGaT Center For Human Genetics Tuebingen Variant Classification Criteria Version 2. Collection method: clinical testing. Allele origin: germline. Affected: yes. Observed: 1 variant allele.
Comment: POU4F3: BP4, BP7

ARUP Laboratories, Molecular Genetics and Genomics, ARUP Laboratories
Classification: Benign for Autosomal dominant nonsyndromic hearing loss 15. Last evaluated: 2019-05-23. Review status: criteria provided, single submitter. Criteria: ARUP Molecular Germline Variant Investigation Process. Collection method: clinical testing. Allele origin: germline.

GeneDx
Classification: Benign. Last evaluated: 2018-09-12. Review status: criteria provided, single submitter. Criteria: GeneDx Variant Classification Process June 2021. Collection method: clinical testing. Allele origin: germline. Affected: yes.

Illumina Laboratory Services, Illumina
Classification: Benign for Autosomal dominant nonsyndromic hearing loss 15. Last evaluated: 2018-01-12. Review status: criteria provided, single submitter. Criteria: ICSL Variant Classification Criteria 13 December 2019. Collection method: clinical testing. Allele origin: germline.
Comment: This variant was observed in the ICSL laboratory as part of a predisposition screen in an ostensibly healthy population. It had not been previously curated by ICSL or reported in the Human Gene Mutation Database (HGMD: prior to June 1st, 2018), and was therefore a candidate for classification through an automated scoring system. Utilizing variant allele frequency, disease prevalence and penetrance estimates, and inheritance mode, an automated score was calculated to assess if this variant is too frequent to cause the disease. Based on the score and internal cut-off values, a variant classified as benign is not then subjected to further curation. The score for this variant resulted in a classification of benign for this disease.

Laboratory for Molecular Medicine, Mass General Brigham Personalized Medicine
Classification: Benign. Last evaluated: 2012-05-07. Review status: criteria provided, single submitter. Criteria: LMM Criteria. Collection method: clinical testing. Allele origin: germline. Observed: 3 variant alleles.
Comment: "Thr126Thr in Exon 02 of POU4F3: This variant is not expected to have clinical s ignificance because it does not alter an amino acid residue, is not located with in the splice consensus sequence, and has been identified in 0.7% (28/3738) of A frican American chromosomes from a broad population by the NHLBI Exome Sequencin g Project (dbSNP rs113137300)."